The following is an entry in ClinVar:

ClinVar aggregate classification (germline): Likely pathogenic (1 of 4 stars; one submission).

gnomAD v4.1: 8 of 1,612,504 alleles (0.0005%); highest among the groups gnomAD compares: African/African-American, 0.0013%; no homozygotes.

Submission:

Labcorp Genetics (formerly Invitae), Labcorp
Classification: Likely pathogenic. Last evaluated: 2023-03-22. Review status: criteria provided, single submitter. Criteria: Invitae Variant Classification Sherloc (09022015). Collection method: clinical testing. Allele origin: germline.
Comment: This variant has not been reported in the literature in individuals affected with LRP2-related conditions. This variant is present in population databases (no rsID available, gnomAD 0.007%). This sequence change affects a donor splice site in intron 60 of the LRP2 gene. It is expected to disrupt RNA splicing. Variants that disrupt the donor or acceptor splice site typically lead to a loss of protein function (PMID: 16199547), and loss-of-function variants in LRP2 are known to be pathogenic (PMID: 17632512, 25682901). Algorithms developed to predict the effect of sequence changes on RNA splicing suggest that this variant may disrupt the consensus splice site. In summary, the currently available evidence indicates that the variant is pathogenic, but additional data are needed to prove that conclusively. Therefore, this variant has been classified as Likely Pathogenic.

Literature cited by the submitters: PubMed 16199547; PubMed 17632512; PubMed 25682901.

NM_004525.3(LRP2):c.11497+1G>A

Gene: LRP2 (LDL receptor related protein 2; minus strand). Cytogenetic location: 2q31.1.
Variant type: single nucleotide variant.
Coding change: c.11497+1G>A on transcript NM_004525.3 (MANE Select); the canonical splice donor site of the intron after coding-DNA position 11497, G replaced by A.
Molecular consequence: splice donor variant.
Genome position (GRCh38, 1-based): chr2:169,169,701, C>T on the plus strand (G>A on the coding strand, the complement: LRP2 is on the minus strand). VCF-style: chr2-169169701-C-T. GRCh37 (hg19) VCF-style: chr2-170026211-C-T.
Identifiers: ClinVar variation 2785539 (VCV002785539.4), dbSNP rs1195513248, ClinGen allele CA349141666.